The following is an entry in ClinVar:

ClinVar aggregate classification (germline): Likely pathogenic (1 of 4 stars; one submission).

Conditions:
Arrhythmogenic right ventricular dysplasia 11. Also called: Arrhythmogenic Right Ventricular Dysplasia/Cardiomyopathy11; ARRHYTHMOGENIC RIGHT VENTRICULAR DYSPLASIA, FAMILIAL, 11; Arrhythmogenic right ventricular dysplasia 11 with mild palmoplantar keratoderma and woolly hair. Identifiers: MedGen C1864850, MONDO:0012506, OMIM 610476.

Submission:

Labcorp Genetics (formerly Invitae), Labcorp
Classification: Likely pathogenic for Arrhythmogenic right ventricular dysplasia 11. Last evaluated: 2025-11-09. Review status: criteria provided, single submitter. Criteria: Invitae Variant Classification Sherloc (09022015). Collection method: clinical testing. Allele origin: germline.
Comment: This sequence change affects a donor splice site in intron 10 of the DSC2 gene. It is expected to disrupt RNA splicing. Variants that disrupt the donor or acceptor splice site typically lead to a loss of protein function (PMID: 16199547), and loss-of-function variants in DSC2 are known to be pathogenic (PMID: 23911551). This variant is not present in population databases (gnomAD no frequency). This variant has not been reported in the literature in individuals affected with DSC2-related conditions. ClinVar contains an entry for this variant (Variation ID: 2022403). Algorithms developed to predict the effect of sequence changes on RNA splicing suggest that this variant may disrupt the consensus splice site. In summary, the currently available evidence indicates that the variant is pathogenic, but additional data are needed to prove that conclusively. Therefore, this variant has been classified as Likely Pathogenic.

Literature cited by the submitters: PubMed 16199547; PubMed 23911551.

NM_024422.6(DSC2):c.1520+1G>A

Gene: DSC2 (desmocollin 2; minus strand). Cytogenetic location: 18q12.1.
Variant type: single nucleotide variant.
Coding change: c.1520+1G>A on transcript NM_024422.6 (MANE Select); the canonical splice donor site of the intron after coding-DNA position 1520, G replaced by A.
Molecular consequence: splice donor variant.
Genome position (GRCh38, 1-based): chr18:31,080,095, C>T on the plus strand (G>A on the coding strand, the complement: DSC2 is on the minus strand). VCF-style: chr18-31080095-C-T. GRCh37 (hg19) VCF-style: chr18-28660061-C-T.
Other names: c.1520+1G>A (NM_004949.5); c.1091+1G>A (NM_001406506.1, NM_001406507.1).
Identifiers: ClinVar variation 2022403 (VCV002022403.4), dbSNP rs2510946837, ClinGen allele CA402108315.